The following is an entry in ClinVar:

ClinVar aggregate classification (germline): Likely pathogenic (1 of 4 stars; one submission).

Conditions:
Marfan Syndrome/Loeys-Dietz Syndrome/Familial Thoracic Aortic Aneurysms and Dissections. Identifiers: MedGen CN229799.

Submission:

Women's Health and Genetics/Laboratory Corporation of America, LabCorp
Classification: Likely pathogenic for Marfan Syndrome/Loeys-Dietz Syndrome/Familial Thoracic Aortic Aneurysms and Dissections. Last evaluated: 2022-04-11. Review status: criteria provided, single submitter. Criteria: LabCorp Variant Classification Summary - May 2015. Collection method: clinical testing. Allele origin: germline.
Comment: Variant summary: FBN1 c.5671+1delG is located in a canonical splice-site and is predicted to affect mRNA splicing resulting in a significantly altered protein due to either exon skipping, shortening, or inclusion of intronic material. Several computational tools predict a significant impact on normal splicing: Four predict the variant abolishes the canonical 5' splicing donor site. Four predict the variant creates an alternate 5' donor site. However, these predictions have yet to be confirmed by functional studies. The variant was absent in 250516 control chromosomes. c.5671+1delG has been reported in the literature in at-least one individual affected with Thoracic aortic aneurysm and dissection (TAAD) (example, Duan_2021). Marfan syndrome (MFS) is the most well-known disease entity causing TAAD. To our knowledge, no experimental evidence demonstrating an impact on protein function has been reported. No clinical diagnostic laboratories have submitted clinical-significance assessments for this variant to ClinVar after 2014. Based on the evidence outlined above, the variant was classified as likely pathogenic.

Literature cited by the submitters: PubMed 34456093.

NM_000138.5(FBN1):c.5671+1del

Gene: FBN1 (fibrillin 1; minus strand). Cytogenetic location: 15q21.1.
Variant type: Deletion.
Coding change: c.5671+1del on transcript NM_000138.5 (MANE Select); the canonical splice donor site of the intron after coding-DNA position 5671, one base deleted (G; older notation c.5671+1delG).
Molecular consequence: splice donor variant.
Genome position (GRCh38, 1-based): chr15:48,448,767, C deleted on the plus strand (G on the coding strand, the reverse complement: FBN1 is on the minus strand); the first of 3 consecutive C bases (chr15:48,448,767-48,448,769); deleting any one gives the same sequence. VCF-style (leftmost placement, unchanged base first): chr15-48448766-AC-A. GRCh37 (hg19) VCF-style: chr15-48740963-AC-A.
Other names: c.5671+1del (NM_001406716.1).
Identifiers: ClinVar variation 1683222 (VCV001683222.1), dbSNP rs2141252078, ClinGen allele CA2573150908.